The following is an entry in ClinVar:

NM_000092.5(COL4A4):c.1030-14A>G

Gene: COL4A4 (collagen type IV alpha 4 chain; minus strand). Cytogenetic location: 2q36.3.
Variant type: single nucleotide variant.
Coding change: c.1030-14A>G on transcript NM_000092.5 (MANE Select); 14 bases into the intron before coding-DNA position 1030, A replaced by G.
Molecular consequence: intron variant.
Genome position (GRCh38, 1-based): chr2:227,099,703, T>C on the plus strand (A>G on the coding strand, the complement: COL4A4 is on the minus strand). VCF-style: chr2-227099703-T-C. GRCh37 (hg19) VCF-style: chr2-227964419-T-C.
Identifiers: ClinVar variation 1029643 (VCV001029643.1), dbSNP rs2060400553, ClinGen allele CA1332767364.

ClinVar aggregate classification (germline): Uncertain significance (1 of 4 stars; one submission).

Conditions:
Autosomal recessive Alport syndrome (ATS2). Also called: COL4A4 Alport Syndrome and Thin Basement Membrane Nephropathy; ALPORT SYNDROME 2, AUTOSOMAL RECESSIVE; COL4A3-Related Nephropathy; Alport syndrome type 2. Identifiers: Orphanet 63, Orphanet 88919, MedGen C4746745, MONDO:0008762, OMIM 203780.

Allele frequency attached by ClinVar (database versions not stated): gnomAD exomes below 0.00001.
gnomAD v4.1: 1 of 1,612,862 alleles (0.000062%); highest among the groups gnomAD compares: Non-Finnish European, 0.000085%; no homozygotes.

Submission:

Baylor Genetics
Classification: Uncertain significance for Autosomal recessive Alport syndrome. Last evaluated: 2020-01-15. Review status: criteria provided, single submitter. Criteria: ACMG Guidelines, 2015. Collection method: clinical testing. Allele origin: unknown. Affected: yes.
Comment: This variant was determined to be of uncertain significance according to ACMG Guidelines, 2015 [PMID:25741868].